The following is an entry in ClinVar:

ClinVar aggregate classification (germline): Uncertain significance. Review status: criteria provided, multiple submitters, no conflicts (2 of 4 stars). 3 submissions from 3 submitters: Uncertain significance (3). Last evaluated 2023-10-20.

Conditions:
RAF1-related disorder. Also called: RAF1-related condition; RAF1-related disorders.
Cardiovascular phenotype. Identifiers: MedGen CN230736.

Allele frequency attached by ClinVar (database versions not stated): gnomAD 0.00001.
gnomAD v4.1: 4 of 1,613,984 alleles (0.00025%); highest among the groups gnomAD compares: Non-Finnish European, 0.00034%; no homozygotes.

Submissions (3):

Ambry Genetics
Classification: Uncertain significance for Cardiovascular phenotype. Last evaluated: 2023-10-20. Review status: criteria provided, single submitter. Criteria: Ambry Variant Classification Scheme 2023. Collection method: clinical testing. Allele origin: germline.

CeGaT Center for Human Genetics Tuebingen
Classification: Uncertain significance. Last evaluated: 2023-09-01. Review status: criteria provided, single submitter. Criteria: CeGaT Center For Human Genetics Tuebingen Variant Classification Criteria Version 2. Collection method: clinical testing. Allele origin: germline. Affected: yes. Observed: 1 variant allele.

PreventionGenetics, part of Exact Sciences
Classification: Uncertain significance for RAF1-related condition. Last evaluated: 2023-08-12. Review status: criteria provided, single submitter. Criteria: ACMG Guidelines, 2015. Collection method: clinical testing. Allele origin: germline.
Comment: The RAF1 c.841A>G variant is predicted to result in the amino acid substitution p.Ile281Val. To our knowledge, this variant has not been reported in the literature or in a large population database, indicating this variant is rare. At this time, the clinical significance of this variant is uncertain due to the absence of conclusive functional and genetic evidence.

NM_002880.4(RAF1):c.841A>G (p.Ile281Val)

Gene: RAF1 (Raf-1 proto-oncogene, serine/threonine kinase; minus strand). Cytogenetic location: 3p25.2.
Variant type: single nucleotide variant.
Coding change: c.841A>G on transcript NM_002880.4 (MANE Select); coding-DNA position 841, A replaced by G.
Protein change: p.Ile281Val; replaces isoleucine 281 with valine.
Molecular consequence: missense variant. On other transcripts: non-coding transcript variant (3).
Genome position (GRCh38, 1-based): chr3:12,600,409, T>C on the plus strand (A>G on the coding strand, the complement: RAF1 is on the minus strand). VCF-style: chr3-12600409-T-C. GRCh37 (hg19) VCF-style: chr3-12641908-T-C.
Other names: c.901A>G, p.Ile301Val (NM_001354689.3); c.841A>G, p.Ile281Val (NM_001354690.3); c.598A>G, p.Ile200Val (NM_001354691.3, NM_001354692.3); c.742A>G, p.Ile248Val (NM_001354693.3); c.658A>G, p.Ile220Val (NM_001354694.3); c.499A>G, p.Ile167Val (NM_001354695.3); short protein forms I167V, I200V, I220V, I248V, I281V, I301V.
Identifiers: ClinVar variation 2629351 (VCV002629351.25), dbSNP rs1207731590, ClinGen allele CA351510131.